The following is an entry in ClinVar:

ClinVar aggregate classification (germline): Uncertain significance (1 of 4 stars; one submission).

Submission:

GeneDx
Classification: Uncertain significance. Last evaluated: 2025-03-26. Review status: criteria provided, single submitter. Criteria: GeneDx Variant Classification Process June 2021. Collection method: clinical testing. Allele origin: germline. Affected: yes.
Comment: Not observed at significant frequency in large population cohorts (gnomAD); In silico analysis supports that this missense variant has a deleterious effect on protein structure/function; In silico analysis is inconclusive as to whether the variant alters gene splicing. In the absence of RNA/functional studies, the actual effect of this sequence change is unknown.; Has not been previously published as pathogenic or benign to our knowledge

NM_001099922.3(ALG13):c.868C>T (p.Arg290Trp)

Gene: ALG13 (ALG13 UDP-N-acetylglucosaminyltransferase subunit; plus strand). Cytogenetic location: Xq23.
Variant type: single nucleotide variant.
Coding change: c.868C>T on transcript NM_001099922.3 (MANE Select); coding-DNA position 868, C replaced by T.
Protein change: p.Arg290Trp; replaces arginine 290 with tryptophan.
Molecular consequence: missense variant.
Genome position (GRCh38, 1-based): chrX:111,711,708, C>T. VCF-style: chrX-111711708-C-T. GRCh37 (hg19) VCF-style: chrX-110954936-C-T.
Other names: c.556C>T, p.Arg186Trp (NM_001257230.2, NM_001257234.2, NM_001257237.2 and 1 more transcripts); c.634C>T, p.Arg212Trp (NM_001257231.2); c.868C>T, p.Arg290Trp (NM_001324292.2); short protein forms R186W, R212W, R290W.
Identifiers: ClinVar variation 3602321 (VCV003602321.2).